The following is an entry in ClinVar:

NM_005188.4(CBL):c.192C>A (p.Asp64Glu)

Gene: CBL (Cbl proto-oncogene; plus strand). Cytogenetic location: 11q23.3.
Variant type: single nucleotide variant.
Coding change: c.192C>A on transcript NM_005188.4 (MANE Select); coding-DNA position 192, C replaced by A.
Protein change: p.Asp64Glu; replaces aspartic acid 64 with glutamic acid.
Molecular consequence: missense variant.
Genome position (GRCh38, 1-based): chr11:119,206,609, C>A. VCF-style: chr11-119206609-C-A. GRCh37 (hg19) VCF-style: chr11-119077319-C-A.
Other names: c.192C>A (NM_005188.2); short protein forms D64E.
Identifiers: ClinVar variation 2961873 (VCV002961873.5), dbSNP rs1565851628, ClinGen allele CA382976762.

ClinVar aggregate classification (germline): Uncertain significance. Review status: criteria provided, multiple submitters, no conflicts (2 of 4 stars). 3 submissions from 3 submitters: Uncertain significance (3). Last evaluated 2025-04-09.

Conditions:
Cardiovascular phenotype. Identifiers: MedGen CN230736.
RASopathy. Also called: Noonan spectrum disorder; rasopathies. Identifiers: Orphanet 536391, MedGen C5555857, MONDO:0021060.

Allele frequency attached by ClinVar (database versions not stated): gnomAD 0.00001.
gnomAD v4.1: 1 of 1,547,348 alleles (0.000065%); highest among the groups gnomAD compares: Non-Finnish European, 0.000087%; no homozygotes.

Submissions (3):

Ambry Genetics
Classification: Uncertain significance for Cardiovascular phenotype. Last evaluated: 2025-04-09. Review status: criteria provided, single submitter. Criteria: Ambry Variant Classification Scheme 2023. Collection method: clinical testing. Allele origin: germline.
Comment: The p.D64E variant (also known as c.192C>A), located in coding exon 1 of the CBL gene, results from a C to A substitution at nucleotide position 192. The aspartic acid at codon 64 is replaced by glutamic acid, an amino acid with highly similar properties. This amino acid position is conserved. In addition, the in silico prediction for this alteration is inconclusive. Based on the available evidence, the clinical significance of this variant remains unclear.

GeneDx
Classification: Uncertain significance. Last evaluated: 2023-08-07. Review status: criteria provided, single submitter. Criteria: GeneDx Variant Classification Process June 2021. Collection method: clinical testing. Allele origin: germline. Affected: yes.
Comment: Not observed at significant frequency in large population cohorts (gnomAD); In silico analysis supports that this missense variant has a deleterious effect on protein structure/function; Has not been previously published as pathogenic or benign to our knowledge; This variant is associated with the following publications: (PMID: 18034775, 20619386)

Labcorp Genetics (formerly Invitae), Labcorp
Classification: Uncertain significance for RASopathy. Last evaluated: 2022-12-22. Review status: criteria provided, single submitter. Criteria: Invitae Variant Classification Sherloc (09022015). Collection method: clinical testing. Allele origin: germline.
Comment: This sequence change replaces aspartic acid, which is acidic and polar, with glutamic acid, which is acidic and polar, at codon 64 of the CBL protein (p.Asp64Glu). This variant is not present in population databases (gnomAD no frequency). In summary, the available evidence is currently insufficient to determine the role of this variant in disease. Therefore, it has been classified as a Variant of Uncertain Significance. Advanced modeling of protein sequence and biophysical properties (such as structural, functional, and spatial information, amino acid conservation, physicochemical variation, residue mobility, and thermodynamic stability) has been performed at Invitae for this missense variant, however the output from this modeling did not meet the statistical confidence thresholds required to predict the impact of this variant on CBL protein function. This variant has not been reported in the literature in individuals affected with CBL-related conditions.